The following is an entry in ClinVar:

ClinVar aggregate classification (germline): Uncertain significance (1 of 4 stars; one submission).

Conditions:
Tuberous sclerosis 2 (TSC2). Identifiers: Orphanet 805, MedGen C1860707, MONDO:0013199, OMIM 613254.

Allele frequency attached by ClinVar (database versions not stated): gnomAD exomes below 0.00001.
gnomAD v4.1: 2 of 1,613,074 alleles (0.00012%); highest among the groups gnomAD compares: Non-Finnish European, 0.00017%; no homozygotes.

Submission:

Labcorp Genetics (formerly Invitae), Labcorp
Classification: Uncertain significance for Tuberous sclerosis 2. Last evaluated: 2019-08-10. Review status: criteria provided, single submitter. Criteria: Invitae Variant Classification Sherloc (09022015). Collection method: clinical testing. Allele origin: germline.
Comment: In summary, the available evidence is currently insufficient to determine the role of this variant in disease. Therefore, it has been classified as a Variant of Uncertain Significance. Algorithms developed to predict the effect of missense changes on protein structure and function are either unavailable or do not agree on the potential impact of this missense change (SIFT: "Deleterious"; PolyPhen-2: "Probably Damaging"; Align-GVGD: "Class C0"). This variant has not been reported in the literature in individuals with TSC2-related conditions. This variant is not present in population databases (ExAC no frequency). This sequence change replaces histidine with tyrosine at codon 1019 of the TSC2 protein (p.His1019Tyr). The histidine residue is highly conserved and there is a moderate physicochemical difference between histidine and tyrosine.

NM_000548.5(TSC2):c.3055C>T (p.His1019Tyr)

Gene: TSC2 (TSC complex subunit 2; plus strand). Cytogenetic location: 16p13.3.
Variant type: single nucleotide variant.
Coding change: c.3055C>T on transcript NM_000548.5 (MANE Select); coding-DNA position 3055, C replaced by T.
Protein change: p.His1019Tyr; replaces histidine 1019 with tyrosine.
Molecular consequence: missense variant.
Genome position (GRCh38, 1-based): chr16:2,079,120, C>T. VCF-style: chr16-2079120-C-T. GRCh37 (hg19) VCF-style: chr16-2129121-C-T.
Other names: c.2323C>T, p.His775Tyr (NM_001318831.2); c.2956C>T, p.His986Tyr (NM_001318832.2); c.2926C>T, p.His976Tyr (NM_001363528.2, NM_001370405.1, NM_021055.3); c.2923C>T, p.His975Tyr (NM_001370404.1, NM_001077183.3); c.3055C>T, p.His1019Tyr (NM_001114382.3); c.2815C>T, p.His939Tyr (NM_001318827.2); c.2779C>T, p.His927Tyr (NM_001318829.2); short protein forms H986Y, H1019Y, H775Y, H927Y, H976Y, H975Y, H939Y.
Identifiers: ClinVar variation 934028 (VCV000934028.9), dbSNP rs2089797662, ClinGen allele CA394284346.